The following is an entry in ClinVar:

ClinVar aggregate classification (germline): Uncertain significance (1 of 4 stars; one submission).

Submission:

GeneDx
Classification: Uncertain significance. Last evaluated: 2026-01-22. Review status: criteria provided, single submitter. Criteria: GeneDx Variant Classification Process June 2021. Collection method: clinical testing. Allele origin: germline.
Comment: Not observed at significant frequency in large population cohorts (gnomAD); In silico analysis supports that this missense variant has a deleterious effect on protein structure/function; Has not been previously published as pathogenic or benign to our knowledge

NM_000128.4(F11):c.248C>T (p.Thr83Ile)

Gene: F11 (coagulation factor XI; plus strand). Cytogenetic location: 4q35.2.
Variant type: single nucleotide variant.
Coding change: c.248C>T on transcript NM_000128.4 (MANE Select); coding-DNA position 248, C replaced by T.
Protein change: p.Thr83Ile; replaces threonine 83 with isoleucine.
Molecular consequence: missense variant.
Genome position (GRCh38, 1-based): chr4:186,273,100, C>T. VCF-style: chr4-186273100-C-T. GRCh37 (hg19) VCF-style: chr4-187194254-C-T.
Other names: c.248C>T, p.Thr83Ile (NM_001354804.2, NM_001440590.1, NM_001440593.1 and 5 more transcripts); short protein forms T83I.
Identifiers: ClinVar variation 4975272 (VCV004975272.1).
Genomic context (GRCh38, chr4:186,273,100, plus strand): 5'-ATTCATTAATATGTATTTTTTAAAAAAACAGGTTTACTTGTGTCCTGAAAGACAGTGTTA[C>T]AGAAACACTGCCAAGAGTGAATAGGACAGCAGCGATTTCTGGGTATTCTTTCAAGCAATG-3'
Protein context (NP_000119.1, residues 73-93): WFTCVLKDSV[Thr83Ile]ETLPRVNRTA